The following is an entry in ClinVar:

NM_001042492.3(NF1):c.3830G>A (p.Gly1277Asp)

Gene: NF1 (neurofibromin 1; plus strand). Cytogenetic location: 17q11.2.
Variant type: single nucleotide variant.
Coding change: c.3830G>A on transcript NM_001042492.3 (MANE Select); coding-DNA position 3830, G replaced by A.
Protein change: p.Gly1277Asp; replaces glycine 1277 with aspartic acid.
Molecular consequence: missense variant.
Genome position (GRCh38, 1-based): chr17:31,235,732, G>A. VCF-style: chr17-31235732-G-A. GRCh37 (hg19) VCF-style: chr17-29562750-G-A.
Other names: c.3830G>A, p.Gly1277Asp (NM_000267.4); short protein forms G1277D.
Identifiers: ClinVar variation 2179936 (VCV002179936.5), dbSNP rs1555615480, ClinGen allele CA398992767.

ClinVar aggregate classification (germline): Uncertain significance. Review status: criteria provided, multiple submitters, no conflicts (2 of 4 stars). 2 submissions from 2 submitters: Uncertain significance (2). Last evaluated 2025-05-30.

Conditions:
Cardiovascular phenotype. Identifiers: MedGen CN230736.
Hereditary cancer-predisposing syndrome. Also called: Neoplastic Syndromes, Hereditary; Tumor predisposition; Hereditary Cancer Syndrome; Hereditary neoplastic syndrome. Identifiers: Orphanet 140162, MedGen C0027672, MeSH D009386, MONDO:0015356.
Neurofibromatosis, type 1 (NF1). Also called: VON RECKLINGHAUSEN DISEASE; NEUROFIBROMATOSIS, TYPE I, SOMATIC; Neurofibromatosis, type I; Peripheral type neurofibromatosis. Identifiers: Orphanet 636, MedGen C0027831, MONDO:0018975, OMIM 162200. Disease mechanism: loss of function.

Allele frequency attached by ClinVar (database versions not stated): TOPMed below 0.00001; gnomAD 0.00001.
gnomAD v4.1: 1 of 1,613,976 alleles (0.000062%); highest among the groups gnomAD compares: Non-Finnish European, 0.000085%; no homozygotes.

Submissions (2):

Ambry Genetics
Classification: Uncertain significance for Cardiovascular phenotype; Hereditary cancer-predisposing syndrome. Last evaluated: 2025-05-30. Review status: criteria provided, single submitter. Criteria: Ambry Variant Classification Scheme 2023. Collection method: clinical testing. Allele origin: germline.
Comment: The p.G1277D variant (also known as c.3830G>A), located in coding exon 28 of the NF1 gene, results from a G to A substitution at nucleotide position 3830. The glycine at codon 1277 is replaced by aspartic acid, an amino acid with similar properties. This amino acid position is highly conserved in available vertebrate species. In addition, this alteration is predicted to be deleterious by in silico analysis. Based on the available evidence, the clinical significance of this variant remains unclear.

Labcorp Genetics (formerly Invitae), Labcorp
Classification: Uncertain significance for Neurofibromatosis, type 1. Last evaluated: 2023-03-24. Review status: criteria provided, single submitter. Criteria: Invitae Variant Classification Sherloc (09022015). Collection method: clinical testing. Allele origin: germline.
Comment: In summary, the available evidence is currently insufficient to determine the role of this variant in disease. Therefore, it has been classified as a Variant of Uncertain Significance. Advanced modeling of protein sequence and biophysical properties (such as structural, functional, and spatial information, amino acid conservation, physicochemical variation, residue mobility, and thermodynamic stability) performed at Invitae indicates that this missense variant is expected to disrupt NF1 protein function. ClinVar contains an entry for this variant (Variation ID: 2179936). This variant has not been reported in the literature in individuals affected with NF1-related conditions. This variant is not present in population databases (gnomAD no frequency). This sequence change replaces glycine, which is neutral and non-polar, with aspartic acid, which is acidic and polar, at codon 1277 of the NF1 protein (p.Gly1277Asp).